The following is an entry in ClinVar:

NM_000212.3(ITGB3):c.1924G>T (p.Glu642Ter)

Gene: ITGB3 (integrin subunit beta 3; plus strand). Cytogenetic location: 17q21.32.
Variant type: single nucleotide variant.
Coding change: c.1924G>T on transcript NM_000212.3 (MANE Select); coding-DNA position 1924, G replaced by T.
Protein change: p.Glu642Ter; replaces glutamic acid 642 with a stop codon.
Molecular consequence: nonsense.
Genome position (GRCh38, 1-based): chr17:47,300,488, G>T. VCF-style: chr17-47300488-G-T. GRCh37 (hg19) VCF-style: chr17-45377854-G-T.
Other names: E616*; NM_000212.2(ITGB3):c.1924G>T; p.Glu642Ter; c.1924G>T (NM_000212.2); short protein forms E642*.
Identifiers: ClinVar variation 13565 (VCV000013565.16), dbSNP rs121918451, ClinGen allele CA123249.

ClinVar aggregate classification (germline): Pathogenic. Review status: reviewed by expert panel (3 of 4 stars). 5 submissions from 5 submitters: Pathogenic (1). 4 of the submissions do not count toward it. Last evaluated 2021-12-21.

Conditions:
Glanzmann thrombasthenia 2. Also called: BLEEDING DISORDER, PLATELET-TYPE, 23. Identifiers: MedGen C5543273, MONDO:0031009, OMIM 619267.
Glanzmann thrombasthenia. Also called: PLATELET GLYCOPROTEIN IIb-IIIa DEFICIENCY; THROMBASTHENIA OF GLANZMANN AND NAEGELI; Thrombasthenia; Glanzmann's thrombasthenia. Identifiers: Orphanet 849, MedGen C0040015, MONDO:0100326.

Allele frequency attached by ClinVar (database versions not stated): gnomAD exomes below 0.00001; TOPMed 0.00001.
gnomAD v4.1: 2 of 1,613,470 alleles (0.00012%); highest among the groups gnomAD compares: Non-Finnish European, 0.00017%; no homozygotes.

Submissions (5):

ClinGen Platelet Disorders Variant Curation Expert Panel, ClinGen
Classification: Pathogenic for Glanzmann thrombasthenia. Last evaluated: 2021-12-21. Review status: reviewed by expert panel. Criteria: ClinGen Platelet ACMG Specifications v2. Collection method: curation. Allele origin: germline. Inheritance: Autosomal recessive inheritance.
Comment: NM_000212.2(ITGB3):c.1924G>T (p.Glu642Ter) in exon 12 of 15 is a nonsense variant predicted to cause a premature stop codon in biologically-relevant-exon and is predicted to lead to nonsense mediated decay in a gene in which loss-of-function is an established disease mechanism. However, RT-PCR analysis in the proband of PMID: 9845537 found that, instead, a shortened transcript was produced (in similar quantities to the normal allele) with in-frame skipping of exons 11 and 12 (reported by authors as exons 10 and 11, using alternate numbering), resulting in removal of 14% of the protein (PVS1_strong). CHO cells were transiently cotransfected with the plasmid pcDNA3-GPIIb and either WT or mutant pcDNA3-GPIIIa with this variant. To investigate the surface exposure of GPIIb-IIIa, intact cells were labeled with biotin, and the GPIIb-IIIa complexes were immunoprecipitated with anti-GPIIb (M3) or anti-GPIIIa (P37) MoAbs. No biotin-labeled products were found in cells cotransfected with normal GPIIb and mutant GPIIIa. Additionally, to examine the intracellular presence of GPIIb and/or GPIIIa as either monomers or heterodimers, total cell lysates were labeled with biotin, and GPIIb, GPIIIa, or GPIIb-IIIa complexes were immunoprecipitated. Unlike in extracts from cells coexpressing normal subunits, heterodimers failed to immunoprecipitate using a complex-specific MoAb, suggesting that the mutant ΔGPIIIa does not complex with GPIIb. Pulse-chase experiments further verified that the mutant ΔGPIIIa does not complex to GPIIb (PMID: 9845537; PS3_supporting). This variant has been detected homozygous in at least 2 probands with Glanzmann thrombasthenia (PMIDs: 14985172, 9845537; PM3). At least one patient (Patient II.1 in PMID: 14985172) with this variant displayed mucocutaneous bleeding and impaired aggregation with all agonists except ristocetin, which is highly specific for Glanzmann thrombasthenia (PP4_moderate). Additionally, αIIbβ3 surface expression was reduced to <5%, as measured by flow cytometry and Western blot. This variant is absent from gnomAD v2.1.1 (PM2_Supporting). In summary, this variant meets the criteria to be classified as Pathogenic for autosomal recessive Glanzmann Thrombasthenia based on the ACMG/AMP criteria applied, as specified by the ClinGen PD VCEP: PVS1_strong, PS3_supporting, PP4_moderate, PM3, PM2_supporitng. (VCEP specifications version 2; date of approval 12/21/21).

Dasa
Classification: Pathogenic. Last evaluated: 2026-01-22. Review status: criteria provided, single submitter. Criteria: DASA Assertion Criteria. Collection method: clinical testing. Allele origin: germline. Not counted in ClinVar's aggregate classification.
Comment: NM_000212.3(ITGB3):c.1924G>T (p.Glu642*) introduces a premature termination codon predicted to result in loss of normal protein function. Loss-of-function is an established mechanism of disease for this gene. This variant has been observed in affected individuals with related phenotype in a genotype context consistent with recessive disease. Functional evidence supports a deleterious effect on the gene or gene product. The variant is present at low frequency in population datasets. Based on the available data, this variant is classified as pathogenic.

GeneDx
Classification: Pathogenic. Last evaluated: 2024-12-23. Review status: criteria provided, single submitter. Criteria: GeneDx Variant Classification Process June 2021. Collection method: clinical testing. Allele origin: germline. Affected: yes. Not counted in ClinVar's aggregate classification.
Comment: Published functional studies demonstrate a damaging effect: unable to form the glycoprotein IIb/IIIa complex (PMID: 9845537); Nonsense variant predicted to result in protein truncation or nonsense mediated decay in a gene for which loss of function is a known mechanism of disease; Not observed at significant frequency in large population cohorts (gnomAD); This variant is associated with the following publications: (PMID: 25525159, 31589614, 37604334, 9845537, 31980526)

Labcorp Genetics (formerly Invitae), Labcorp
Classification: Pathogenic. Last evaluated: 2023-05-18. Review status: criteria provided, single submitter. Criteria: Invitae Variant Classification Sherloc (09022015). Collection method: clinical testing. Allele origin: germline. Not counted in ClinVar's aggregate classification.
Comment: For these reasons, this variant has been classified as Pathogenic. ClinVar contains an entry for this variant (Variation ID: 13565). This premature translational stop signal has been observed in individual(s) with Glanzmann thrombasthenia (PMID: 9845537). This variant is not present in population databases (gnomAD no frequency). This sequence change creates a premature translational stop signal (p.Glu642*) in the ITGB3 gene. It is expected to result in an absent or disrupted protein product. Loss-of-function variants in ITGB3 are known to be pathogenic (PMID: 21917754).

OMIM
Classification: Pathogenic for GLANZMANN THROMBASTHENIA 2. Last evaluated: 1998-12-15. Review status: no assertion criteria provided. Collection method: literature only. Allele origin: germline. Not counted in ClinVar's aggregate classification.

Literature cited by the submitters: PubMed 9845537 (cited by Labcorp Genetics (formerly Invitae), Labcorp and OMIM); PubMed 21917754 (cited by Labcorp Genetics (formerly Invitae), Labcorp).